The following is an entry in ClinVar:

ClinVar aggregate classification (germline): Uncertain significance. Review status: criteria provided, multiple submitters, no conflicts (2 of 4 stars). 2 submissions from 2 submitters: Uncertain significance (2). Last evaluated 2024-12-20.

Conditions:
Autosomal dominant hypocalcemia 1 (HYPOC1). Also called: HYPOCALCEMIA, FAMILIAL. Identifiers: MedGen C3715128, MONDO:0011013, OMIM 601198.
Familial hypocalciuric hypercalcemia (FHH). Also called: Familial benign hypercalcemia. Identifiers: Orphanet 405, MedGen C1809471, MONDO:0018458.
CASR-related disorder. Also called: CASR-related condition.

Submissions (2):

PreventionGenetics, part of Exact Sciences
Classification: Uncertain significance for CASR-related condition. Last evaluated: 2024-12-20. Review status: criteria provided, single submitter. Criteria: ACMG Guidelines, 2015. Collection method: clinical testing. Allele origin: germline.
Comment: The CASR c.1990C>T variant is predicted to result in the amino acid substitution p.Leu664Phe. To our knowledge, this variant has not been reported in the literature or in a large population database (gnomAD), indicating this variant is rare. At this time, the clinical significance of this variant is uncertain due to the absence of conclusive functional and genetic evidence.

Labcorp Genetics (formerly Invitae), Labcorp
Classification: Uncertain significance for Familial hypocalciuric hypercalcemia; Autosomal dominant hypocalcemia 1. Last evaluated: 2021-10-12. Review status: criteria provided, single submitter. Criteria: Invitae Variant Classification Sherloc (09022015). Collection method: clinical testing. Allele origin: germline.
Comment: In summary, the available evidence is currently insufficient to determine the role of this variant in disease. Therefore, it has been classified as a Variant of Uncertain Significance. This variant has not been reported in the literature in individuals affected with CASR-related conditions. Algorithms developed to predict the effect of missense changes on protein structure and function are either unavailable or do not agree on the potential impact of this missense change (SIFT: "Deleterious"; PolyPhen-2: "Probably Damaging"; Align-GVGD: "Class C15"). This sequence change replaces leucine with phenylalanine at codon 654 of the CASR protein (p.Leu654Phe). The leucine residue is highly conserved and there is a small physicochemical difference between leucine and phenylalanine. This variant is not present in population databases (ExAC no frequency).

NM_000388.4(CASR):c.1960C>T (p.Leu654Phe)

Gene: CASR (calcium sensing receptor; plus strand). Cytogenetic location: 3q21.1.
Variant type: single nucleotide variant.
Coding change: c.1960C>T on transcript NM_000388.4 (MANE Select); coding-DNA position 1960, C replaced by T.
Protein change: p.Leu654Phe; replaces leucine 654 with phenylalanine.
Molecular consequence: missense variant.
Genome position (GRCh38, 1-based): chr3:122,283,914, C>T. VCF-style: chr3-122283914-C-T. GRCh37 (hg19) VCF-style: chr3-122002761-C-T.
Other names: c.1990C>T (NM_001178065.1); c.1990C>T, p.Leu664Phe (NM_001178065.2); short protein forms L654F, L664F.
Identifiers: ClinVar variation 532623 (VCV000532623.9), dbSNP rs1553768966, ClinGen allele CA354158161.
Genomic context (GRCh38, chr3:122,283,914, plus strand): 5'-TTTATCAAGTTCCGCAACACACCCATTGTCAAGGCCACCAACCGAGAGCTCTCCTACCTC[C>T]TCCTCTTCTCCCTGCTCTGCTGCTTCTCCAGCTCCCTGTTCTTCATCGGGGAGCCCCAGG-3'
Protein context (NP_000379.3, residues 644-664): KATNRELSYL[Leu654Phe]LFSLLCCFSS